The following is an entry in ClinVar:

ClinVar aggregate classification (germline): Likely pathogenic (1 of 4 stars; one submission).

Conditions:
Autosomal recessive limb-girdle muscular dystrophy type 2J (LGMDR10). Also called: Limb-girdle muscular dystrophy, type 2J; MUSCULAR DYSTROPHY, LIMB-GIRDLE, AUTOSOMAL RECESSIVE 10. Identifiers: Orphanet 140922, MedGen C1837342, MONDO:0012127, OMIM 608807.
Dilated cardiomyopathy 1G (CMD1G). Identifiers: Orphanet 154, MedGen C1858763, MONDO:0011400, OMIM 604145.

Submission:

Labcorp Genetics (formerly Invitae), Labcorp
Classification: Likely pathogenic for Dilated cardiomyopathy 1G; Autosomal recessive limb-girdle muscular dystrophy type 2J. Last evaluated: 2025-08-17. Review status: criteria provided, single submitter. Criteria: Invitae Variant Classification Sherloc (09022015). Collection method: clinical testing. Allele origin: germline.
Comment: This sequence change creates a premature translational stop signal (p.Val28052Cysfs*3) in the TTN gene. While this is not anticipated to result in nonsense mediated decay, it is expected to create a truncated TTN protein. This variant is not present in population databases (gnomAD no frequency). This variant has not been reported in the literature in individuals affected with TTN-related conditions. This variant is located in the A band of TTN (PMID: 25589632). Truncating variants in this region are significantly overrepresented in patients affected with dilated cardiomyopathy (PMID: 25589632). Truncating variants in this region have also been reported in individuals affected with autosomal recessive centronuclear myopathy (PMID: 23975875). In summary, the currently available evidence indicates that the variant is pathogenic, but additional data are needed to prove that conclusively. Therefore, this variant has been classified as Likely Pathogenic.

Literature cited by the submitters: PubMed 25589632; PubMed 23975875.

NM_001267550.2(TTN):c.84153dup (p.Val28052fs)

Genes: TTN (titin; minus strand), TTN-AS1 (TTN antisense RNA 1; plus strand). Cytogenetic location: 2q31.2.
Variant type: Duplication.
Coding change: c.84153dup on transcript NM_001267550.2 (MANE Select); coding-DNA position 84153, one base duplicated (T; older notation c.84153dupT).
Protein change: p.Val28052fs; shifts the reading frame from valine 28052.
Molecular consequence: frameshift variant.
Genome position (GRCh38, 1-based): chr2:178,561,979, A duplicated on the plus strand (T on the coding strand, the reverse complement: TTN is on the minus strand); the first of 2 consecutive A bases (chr2:178,561,979-178,561,980); duplicating either gives the same sequence. VCF-style (leftmost placement, unchanged base first): chr2-178561978-C-CA. GRCh37 (hg19) VCF-style: chr2-179426705-C-CA.
Other names: c.79230dup, p.Val26411fs (NM_001256850.1); c.56958dup, p.Val18987fs (NM_003319.4); c.76449dup, p.Val25484fs (NM_133378.4); c.57333dup, p.Val19112fs (NM_133432.3); c.57534dup, p.Val19179fs (NM_133437.4); short protein forms V25484fs, V26411fs, V19112fs, V18987fs, V19179fs, V28052fs.
Identifiers: ClinVar variation 4785549 (VCV004785549.1).